The following is an entry in ClinVar:

ClinVar aggregate classification (germline): Uncertain significance. Review status: criteria provided, multiple submitters, no conflicts (2 of 4 stars). 5 submissions from 5 submitters: Uncertain significance (5). Last evaluated 2025-12-21.

Conditions:
Cardiovascular phenotype. Identifiers: MedGen CN230736.
Myofibrillar myopathy 6. Identifiers: Orphanet 199340, MedGen C2751831, MONDO:0013061, OMIM 612954.
Dilated cardiomyopathy 1HH (CMD1HH). Identifiers: Orphanet 154, MedGen C3151293, MONDO:0013479, OMIM 613881.

Allele frequency attached by ClinVar (database versions not stated): gnomAD exomes below 0.00001.

Submissions (5):

Labcorp Genetics (formerly Invitae), Labcorp
Classification: Uncertain significance for Dilated cardiomyopathy 1HH; Myofibrillar myopathy 6. Last evaluated: 2025-12-21. Review status: criteria provided, single submitter. Criteria: Invitae Variant Classification Sherloc (09022015). Collection method: clinical testing. Allele origin: germline.
Comment: This sequence change replaces glutamic acid, which is acidic and polar, with alanine, which is neutral and non-polar, at codon 363 of the BAG3 protein (p.Glu363Ala). This variant is present in population databases (no rsID available, gnomAD 0.0009%). This variant has not been reported in the literature in individuals affected with BAG3-related conditions. ClinVar contains an entry for this variant (Variation ID: 1163045). Invitae Evidence Modeling of protein sequence and biophysical properties (such as structural, functional, and spatial information, amino acid conservation, physicochemical variation, residue mobility, and thermodynamic stability) indicates that this missense variant is not expected to disrupt BAG3 protein function with a negative predictive value of 80%. In summary, the available evidence is currently insufficient to determine the role of this variant in disease. Therefore, it has been classified as a Variant of Uncertain Significance.

Ambry Genetics
Classification: Uncertain significance for Cardiovascular phenotype. Last evaluated: 2024-07-14. Review status: criteria provided, single submitter. Criteria: Ambry Variant Classification Scheme 2023. Collection method: clinical testing. Allele origin: germline.
Comment: The p.E363A variant (also known as c.1088A>C), located in coding exon 4 of the BAG3 gene, results from an A to C substitution at nucleotide position 1088. The glutamic acid at codon 363 is replaced by alanine, an amino acid with dissimilar properties. This amino acid position is conserved. In addition, the in silico prediction for this alteration is inconclusive. Since supporting evidence is limited at this time, the clinical significance of this alteration remains unclear.

Women's Health and Genetics/Laboratory Corporation of America, LabCorp
Classification: Uncertain significance. Last evaluated: 2023-07-03. Review status: criteria provided, single submitter. Criteria: LabCorp Variant Classification Summary - May 2015. Collection method: clinical testing. Allele origin: germline.
Comment: Variant summary: BAG3 c.1088A>C (p.Glu363Ala) results in a non-conservative amino acid change in the encoded protein sequence. Three of five in-silico tools predict a damaging effect of the variant on protein function. The variant allele was found at a frequency of 4e-06 in 251484 control chromosomes (gnomAD). The available data on variant occurrences in the general population are insufficient to allow any conclusion about variant significance. To our knowledge, no occurrence of c.1088A>C in individuals affected with Myofibrillar Myopathy, BAG3-Related and no experimental evidence demonstrating its impact on protein function have been reported. Three submitters have cited clinical-significance assessments for this variant to ClinVar after 2014. All submitters classified the variant as uncertain significance. Based on the evidence outlined above, the variant was classified as uncertain significance.

Mayo Clinic Laboratories, Mayo Clinic
Classification: Uncertain significance. Last evaluated: 2019-11-03. Review status: criteria provided, single submitter. Criteria: ACMG Guidelines, 2015. Collection method: clinical testing. Allele origin: germline. Observed: 1 variant allele.

Blueprint Genetics
Classification: Uncertain significance. Last evaluated: 2017-12-09. Review status: criteria provided, single submitter. Criteria: ACMG Guidelines, 2015. Collection method: clinical testing. Allele origin: germline.

NM_004281.4(BAG3):c.1088A>C (p.Glu363Ala)

Gene: BAG3 (BAG cochaperone 3; plus strand). Cytogenetic location: 10q26.11.
Variant type: single nucleotide variant.
Coding change: c.1088A>C on transcript NM_004281.4 (MANE Select); coding-DNA position 1088, A replaced by C.
Protein change: p.Glu363Ala; replaces glutamic acid 363 with alanine.
Molecular consequence: missense variant.
Genome position (GRCh38, 1-based): chr10:119,676,642, A>C. VCF-style: chr10-119676642-A-C. GRCh37 (hg19) VCF-style: chr10-121436154-A-C.
Other names: short protein forms E363A.
Identifiers: ClinVar variation 1163045 (VCV001163045.18), dbSNP rs1345725468, ClinGen allele CA378296612.